The following is an entry in ClinVar:

ClinVar aggregate classification (germline): Uncertain significance (1 of 4 stars; one submission).

Conditions:
Familial focal epilepsy with variable foci (FPEVF). Identifiers: Orphanet 98820, MedGen C1858477, MONDO:0020310.

Submission:

Labcorp Genetics (formerly Invitae), Labcorp
Classification: Uncertain significance for Familial focal epilepsy with variable foci. Last evaluated: 2025-03-17. Review status: criteria provided, single submitter. Criteria: Invitae Variant Classification Sherloc (09022015). Collection method: clinical testing. Allele origin: germline.
Comment: This sequence change replaces aspartic acid, which is acidic and polar, with valine, which is neutral and non-polar, at codon 971 of the DEPDC5 protein (p.Asp971Val). This variant is not present in population databases (gnomAD no frequency). This variant has not been reported in the literature in individuals affected with DEPDC5-related conditions. Experimental studies and prediction algorithms are not available or were not evaluated, and the functional significance of this variant is currently unknown. In summary, the available evidence is currently insufficient to determine the role of this variant in disease. Therefore, it has been classified as a Variant of Uncertain Significance.

NM_001242896.3(DEPDC5):c.2912A>T (p.Asp971Val)

Gene: DEPDC5 (DEP domain containing 5, GATOR1 subcomplex subunit; plus strand). Cytogenetic location: 22q12.3.
Variant type: single nucleotide variant.
Coding change: c.2912A>T on transcript NM_001242896.3 (MANE Select); coding-DNA position 2912, A replaced by T.
Protein change: p.Asp971Val; replaces aspartic acid 971 with valine.
Molecular consequence: missense variant. On other transcripts: non-coding transcript variant (5).
Genome position (GRCh38, 1-based): chr22:31,845,128, A>T. VCF-style: chr22-31845128-A-T. GRCh37 (hg19) VCF-style: chr22-32241114-A-T.
Other names: c.2885A>T, p.Asp962Val (NM_001136029.4, NM_001369903.1, NM_014662.6); c.2678A>T, p.Asp893Val (NM_001242897.2, NM_001363854.2, NM_001364319.2); c.2912A>T, p.Asp971Val (NM_001363852.2, NM_001364318.2, NM_001364320.2); c.2828A>T, p.Asp943Val (NM_001369901.1, NM_001369902.1); short protein forms D893V, D943V, D971V, D962V.
Identifiers: ClinVar variation 3663306 (VCV003663306.2).
Genomic context (GRCh38, chr22:31,845,128, plus strand): 5'-CCTGTGTCACCGCCACCAAGCGCATCACGGAGGGGGAGGCCCACTGCGACATCTATGGGG[A>T]CAGGCCCCGTGCAGACGAGGACGAGTGGCAACTCCTGGATGGTTTTGTCCGCTTTGTGGA-3'
Protein context (NP_001229825.1, residues 961-981): EGEAHCDIYG[Asp971Val]RPRADEDEWQ